The following is an entry in ClinVar:

ClinVar aggregate classification (germline): Likely benign. Review status: criteria provided, multiple submitters, no conflicts (2 of 4 stars). 3 submissions from 3 submitters: Likely benign (3). Last evaluated 2024-06-29.

Conditions:
Early-infantile DEE. Also called: Ohtahara syndrome; Early infantile epileptic encephalopathy; Early infantile epileptic encephalopathy with suppression bursts. Identifiers: Orphanet 1934, MedGen C0393706, MONDO:0800491.
Inborn genetic diseases. Identifiers: MedGen C0950123, MeSH D030342.

Allele frequency attached by ClinVar (database versions not stated): gnomAD 0.00002; gnomAD exomes 0.00003 and 0.00006; TOPMed 0.00003; ExAC 0.00010.
gnomAD v4.1: 47 of 1,613,216 alleles (0.0029%); highest among the groups gnomAD compares: Middle Eastern, 0.033%; no homozygotes.

Submissions (3):

Labcorp Genetics (formerly Invitae), Labcorp
Classification: Likely benign for Early-infantile DEE. Last evaluated: 2024-06-29. Review status: criteria provided, single submitter. Criteria: Invitae Variant Classification Sherloc (09022015). Collection method: clinical testing. Allele origin: germline.

CeGaT Center for Human Genetics Tuebingen
Classification: Likely benign. Last evaluated: 2022-11-01. Review status: criteria provided, single submitter. Criteria: CeGaT Center For Human Genetics Tuebingen Variant Classification Criteria Version 2. Collection method: clinical testing. Allele origin: germline. Affected: yes. Observed: 1 variant allele.
Comment: SLC25A22: BP4, BP7

Ambry Genetics
Classification: Likely benign for Inborn genetic diseases. Last evaluated: 2019-10-06. Review status: criteria provided, single submitter. Criteria: Ambry Variant Classification Scheme 2023. Collection method: clinical testing. Allele origin: germline.

NM_001191061.2(SLC25A22):c.657C>T (p.Ser219=)

Gene: SLC25A22 (solute carrier family 25 member 22; minus strand). Cytogenetic location: 11p15.5.
Variant type: single nucleotide variant.
Coding change: c.657C>T on transcript NM_001191061.2 (MANE Select); coding-DNA position 657, C replaced by T.
Protein change: p.Ser219=; no amino-acid change (serine 219 retained).
Molecular consequence: synonymous variant.
Genome position (GRCh38, 1-based): chr11:792,389, G>A on the plus strand (C>T on the coding strand, the complement: SLC25A22 is on the minus strand). VCF-style: chr11-792389-G-A. GRCh37 (hg19) VCF-style: chr11-792389-G-A.
Other names: c.657C>T, p.Ser219= (NM_001191060.2, NM_024698.6).
Identifiers: ClinVar variation 1154572 (VCV001154572.40), dbSNP rs200830331, ClinGen allele CA5789104.